The following is an entry in ClinVar:

NM_001009944.3(PKD1):c.12615dup (p.Thr4206fs)

Gene: PKD1 (polycystin 1, transient receptor potential channel interacting; minus strand). Cytogenetic location: 16p13.3.
Variant type: Duplication.
Coding change: c.12615dup on transcript NM_001009944.3 (MANE Select); coding-DNA position 12615, one base duplicated (G; older notation c.12615dupG).
Protein change: p.Thr4206fs; shifts the reading frame from threonine 4206.
Molecular consequence: frameshift variant.
Genome position (GRCh38, 1-based): chr16:2,090,024, C duplicated on the plus strand (G on the coding strand, the reverse complement: PKD1 is on the minus strand); the first of 4 consecutive C bases (chr16:2,090,024-2,090,027); duplicating any one gives the same sequence. VCF-style (leftmost placement, unchanged base first): chr16-2090023-T-TC. GRCh37 (hg19) VCF-style: chr16-2140024-T-TC.
Other names: c.12612dup, p.Thr4205fs (NM_000296.4); short protein forms T4205fs, T4206fs.
Identifiers: ClinVar variation 3236085 (VCV003236085.1), dbSNP rs2544578657, ClinGen allele CA2825002343.

ClinVar aggregate classification (germline): Pathogenic (1 of 4 stars; one submission).

Conditions:
Polycystic kidney disease, adult type (PKD1). Also called: Polycystic Kidney Disease 1, Autosomal Dominant; Polycystic kidney disease 1; Polycystic kidney disease 1, severe; Polycystic Kidney, Autosomal Dominant; POLYCYSTIC KIDNEY DISEASE 1 WITH OR WITHOUT POLYCYSTIC LIVER DISEASE; POLYCYSTIC KIDNEY DISEASE, ADULT, TYPE I. Identifiers: MedGen C3149841, MONDO:0008263, OMIM 173900.

Submission:

MVZ Medizinische Genetik Mainz
Classification: Pathogenic for Polycystic kidney disease, adult type. Last evaluated: 2024-01-10. Review status: criteria provided, single submitter. Criteria: UK Practice Guidelines For Variant Classification V4 01 2020. Collection method: clinical testing. Allele origin: germline. Inheritance: Autosomal dominant inheritance. Affected: yes. Observed: 1 variant allele.
Comment: ACMG Criteria: PVS1,PM2_SUP,PP4